The following is an entry in ClinVar:

ClinVar aggregate classification (germline): Pathogenic. Review status: reviewed by expert panel (3 of 4 stars). 7 submissions from 7 submitters: Pathogenic (1). 6 of the submissions do not count toward it. Last evaluated 2016-09-08.

Conditions:
Hereditary cancer-predisposing syndrome. Also called: Hereditary Cancer Syndrome; Hereditary neoplastic syndrome; Neoplastic Syndromes, Hereditary; Tumor predisposition. Identifiers: Orphanet 140162, MedGen C0027672, MeSH D009386, MONDO:0015356.
Hereditary breast ovarian cancer syndrome. Also called: BRCA1- and BRCA2-Associated Hereditary Breast and Ovarian Cancer; Hereditary breast and ovarian cancer syndrome; Hereditary breast and ovarian cancer syndrome (HBOC); Breast and ovarian cancer; Hereditary breast and/or ovarian cancer syndrome; Hereditary breast and ovarian cancer. Identifiers: Orphanet 145, MedGen C0677776, MeSH D061325, MONDO:0003582. Disease mechanism: loss of function.
Breast-ovarian cancer, familial, susceptibility to, 1 (BROVCA1). Also called: BRCA1 Hereditary Breast and Ovarian Cancer; OVARIAN CANCER, SUSCEPTIBILITY TO. Identifiers: Orphanet 145, MedGen C2676676, MONDO:0011450, OMIM 604370. Disease mechanism: loss of function.

Submissions (7):

Evidence-based Network for the Interpretation of Germline Mutant Alleles (ENIGMA)
Classification: Pathogenic for Breast-ovarian cancer, familial, susceptibility to, 1. Last evaluated: 2016-09-08. Review status: reviewed by expert panel. Criteria: ENIGMA BRCA1/2 Classification Criteria (2015). Collection method: curation. Allele origin: germline.
Comment: Variant allele predicted to encode a truncated non-functional protein.

Labcorp Genetics (formerly Invitae), Labcorp
Classification: Pathogenic for Hereditary breast ovarian cancer syndrome. Last evaluated: 2025-07-30. Review status: criteria provided, single submitter. Criteria: Invitae Variant Classification Sherloc (09022015). Collection method: clinical testing. Allele origin: germline. Not counted in ClinVar's aggregate classification.
Comment: This sequence change creates a premature translational stop signal (p.Asn916Lysfs*84) in the BRCA1 gene. It is expected to result in an absent or disrupted protein product. Loss-of-function variants in BRCA1 are known to be pathogenic (PMID: 20104584). This variant is not present in population databases (gnomAD no frequency). This variant has not been reported in the literature in individuals affected with BRCA1-related conditions. ClinVar contains an entry for this variant (Variation ID: 91599). For these reasons, this variant has been classified as Pathogenic.

Quest Diagnostics Nichols Institute San Juan Capistrano
Classification: Pathogenic. Last evaluated: 2023-09-14. Review status: criteria provided, single submitter. Criteria: Quest Diagnostics criteria. Collection method: clinical testing. Allele origin: unknown. Not counted in ClinVar's aggregate classification.
Comment: This variant alters the translational reading frame of the BRCA1 mRNA and causes the premature termination of BRCA1 protein synthesis. In the published literature, this variant has been reported in an individual with breast cancer (PMID: 34196900 (2021)). This variant has not been reported in large, multi-ethnic general populations (Genome Aggregation Database). Based on the available information, this variant is classified as pathogenic.

Ambry Genetics
Classification: Pathogenic for Hereditary cancer-predisposing syndrome. Last evaluated: 2023-07-05. Review status: criteria provided, single submitter. Criteria: Ambry Variant Classification Scheme 2023. Collection method: clinical testing. Allele origin: germline. Not counted in ClinVar's aggregate classification.
Comment: The c.2748delT pathogenic mutation, located in coding exon 9 of the BRCA1 gene, results from a deletion of one nucleotide at nucleotide position 2748, causing a translational frameshift with a predicted alternate stop codon (p.N916Kfs*84). This alteration was identified in a large, worldwide study of BRCA1/2 mutation positive families (Rebbeck TR et al. Hum Mutat, 2018 May;39:593-620). This variant is considered to be rare based on population cohorts in the Genome Aggregation Database (gnomAD). In addition to the clinical data presented in the literature, this alteration is expected to result in loss of function by premature protein truncation or nonsense-mediated mRNA decay. As such, this alteration is interpreted as a disease-causing mutation.

Women's Health and Genetics/Laboratory Corporation of America, LabCorp
Classification: Likely pathogenic for Hereditary breast ovarian cancer syndrome. Last evaluated: 2021-07-04. Review status: criteria provided, single submitter. Criteria: LabCorp Variant Classification Summary - May 2015. Collection method: clinical testing. Allele origin: germline. Not counted in ClinVar's aggregate classification.
Comment: Variant summary: BRCA1 c.2748delT (p.Asn916LysfsX84) results in a premature termination codon, predicted to cause a truncation of the encoded protein or absence of the protein due to nonsense mediated decay, which are commonly known mechanisms for disease. Truncations downstream of this position have been classified as pathogenic by our laboratory. The variant was absent in 250846 control chromosomes. To our knowledge, no occurrence of c.2748delT in individuals affected with Hereditary Breast And Ovarian Cancer Syndrome and no experimental evidence demonstrating its impact on protein function have been reported. One expert panel (ENIGMA) has submitted clinical-significance assessments for this variant to ClinVar after 2014 without evidence for independent evaluation and classified the variant as pathogenic. Based on the evidence outlined above, the variant was classified as likely pathogenic.

Laboratory for Molecular Medicine, Mass General Brigham Personalized Medicine
Classification: Likely pathogenic for Hereditary breast ovarian cancer syndrome. Last evaluated: 2021-05-17. Review status: criteria provided, single submitter. Criteria: ACMG Guidelines, 2015. Collection method: clinical testing. Allele origin: germline. Inheritance: Autosomal dominant inheritance. Not counted in ClinVar's aggregate classification.
Comment: The p.Asn916LysfsX84 variant in BRCA1 has not been previously reported in individuals with hereditary breast and ovarian cancer (HBOC) and was absent from large population studies. This variant is predicted to cause a frameshift, which alters the protein’s amino acid sequence beginning at position 916 and leads to a premature termination codon 84 amino acids downstream. This alteration is then predicted to lead to a truncated or absent protein. Loss of function of the BRCA1 gene is an established disease mechanism in autosomal dominant HBOC. In summary, although additional studies are required to fully establish its clinical significance, this variant meets criteria to be classified as likely pathogenic for autosomal dominant hereditary breast and ovarian cancer. ACMG/AMP Criteria applied: PVS1, PM2_Supporting.

Sharing Clinical Reports Project (SCRP)
Classification: Pathogenic for Breast-ovarian cancer, familial 1. Last evaluated: 2008-05-19. Review status: no assertion criteria provided. Collection method: clinical testing. Allele origin: germline. Not counted in ClinVar's aggregate classification.

Literature cited by the submitters: PubMed 20104584 (cited by Labcorp Genetics (formerly Invitae), Labcorp); PubMed 34196900 (cited by Quest Diagnostics Nichols Institute San Juan Capistrano); PubMed 29446198 (cited by Ambry Genetics).

NM_007294.4(BRCA1):c.2748del (p.Asn916fs)

Gene: BRCA1 (BRCA1 DNA repair associated; minus strand). Cytogenetic location: 17q21.31.
Variant type: Deletion.
Coding change: c.2748del on transcript NM_007294.4 (MANE Select); coding-DNA position 2748, one base deleted (T; older notation c.2748delT).
Protein change: p.Asn916fs; shifts the reading frame from asparagine 916.
Molecular consequence: frameshift variant. On other transcripts: intron variant (137).
Genome position (GRCh38, 1-based): chr17:43,092,783, A deleted on the plus strand (T on the coding strand, the reverse complement: BRCA1 is on the minus strand). VCF-style (leftmost placement, unchanged base first): chr17-43092782-TA-T. GRCh37 (hg19) VCF-style: chr17-41244799-TA-T.
Other names: 2867delT; c.2535del, p.Asn845fs (NM_001407571.1, NM_001407853.1, NM_001407894.1 and 9 more transcripts); c.2748del, p.Asn916fs (NM_001407581.1, NM_001407582.1, NM_001407583.1 and 30 more transcripts); c.2745del, p.Asn915fs (NM_001407587.1, NM_001407590.1, NM_001407591.1 and 22 more transcripts); c.2739del, p.Asn913fs (NM_001407646.1, NM_001407647.1); c.2625del, p.Asn875fs (NM_001407648.1, NM_001407664.1, NM_001407665.1 and 19 more transcripts); c.2622del, p.Asn874fs (NM_001407649.1, NM_001407670.1, NM_001407671.1 and 11 more transcripts); c.2670del, p.Asn890fs (NM_001407653.1, NM_001407654.1, NM_001407655.1 and 4 more transcripts); and 44 more; short protein forms N869fs, N916fs, N804fs, N828fs, N846fs, N874fs, N748fs, N788fs.
Identifiers: ClinVar variation 91599 (VCV000091599.14), dbSNP rs398122667, ClinGen allele CA001810.